The following is an entry in ClinVar:

ClinVar aggregate classification (germline): Uncertain significance (1 of 4 stars; one submission).

gnomAD v4.1: 4 of 1,614,060 alleles (0.00025%); highest among the groups gnomAD compares: Non-Finnish European, 0.00034%; no homozygotes.

Submission:

Ambry Genetics
Classification: Uncertain significance. Last evaluated: 2023-02-12. Review status: criteria provided, single submitter. Criteria: Ambry Variant Classification Scheme 2023. Collection method: clinical testing. Allele origin: germline.
Comment: The p.C46Y variant (also known as c.137G>A), located in coding exon 3 of the RAD54L gene, results from a G to A substitution at nucleotide position 137. The cysteine at codon 46 is replaced by tyrosine, an amino acid with highly dissimilar properties. This amino acid position is conserved. In addition, the in silico prediction for this alteration is inconclusive. Since supporting evidence is limited at this time, the clinical significance of this alteration remains unclear.

NM_003579.4(RAD54L):c.137G>A (p.Cys46Tyr)

Gene: RAD54L (RAD54 like; plus strand). Cytogenetic location: 1p34.1.
Variant type: single nucleotide variant.
Coding change: c.137G>A on transcript NM_003579.4 (MANE Select); coding-DNA position 137, G replaced by A.
Protein change: p.Cys46Tyr; replaces cysteine 46 with tyrosine.
Molecular consequence: missense variant. On other transcripts: 5 prime UTR variant (1).
Genome position (GRCh38, 1-based): chr1:46,250,046, G>A. VCF-style: chr1-46250046-G-A. GRCh37 (hg19) VCF-style: chr1-46715718-G-A.
Other names: c.137G>A, p.Cys46Tyr (NM_001142548.2); c.-404G>A (NM_001370766.1); short protein forms C46Y.
Identifiers: ClinVar variation 2447812 (VCV002447812.2), dbSNP rs2525632642, ClinGen allele CA340175821.